The following is an entry in ClinVar:

ClinVar aggregate classification (germline): Uncertain significance (1 of 4 stars; one submission).

Conditions:
ATR-X-related syndrome. Identifiers: MedGen CN257940, MONDO:0016980.

Submission:

Broad Center for Mendelian Genomics, Broad Institute of MIT and Harvard
Classification: Uncertain significance for ATR-X-related syndrome. Last evaluated: 2025-06-23. Review status: criteria provided, single submitter. Criteria: ACMG/ClinGen CNV Guidelines, 2019. Collection method: research. Allele origin: maternal. Inheritance: Sex-limited autosomal dominant. Affected: yes. Study: GREGoR Consortium.
Comment: A maternally inherited hemizygous deletion of part of intron 19 ([GRCh38] chrX:77626697-77630324x0) in ATRX was identified by whole genome sequencing in 1 individual with ATR-X-related syndrome (Broad Institute Rare Genomes Project). The patient phenotype is nonspecific, but is consistent with what has been described in similar cases. This intragenic variant is not predicted to cause a frameshift, but does overlap a CTCF binding site. Haploinsufficiency scores such as pLI and Decipher %HI predict the ATRX gene to be haploinsufficient. The copy number loss in this gene has not been previously reported in individuals with ATR-X-related syndrome. This variant has been identified in 0.002% (1/47056) of European (non-Finnish) chromosomes by the Genome Aggregation Database (gnomAD), including 1 heterozygote. Although this variant has been seen in the general population in a heterozygous state, its frequency is low enough to be consistent with a recessive carrier frequency. In summary, the clinical significance of the variant is uncertain. The ACMG/ClinGen evidence codes and points used in this curation are as follows: 1A: 0 points, 2H: 0.15 points, 3A: 0 points, 5G: 0.15 points; Total: 0.3 points; Riggs 2020 (PMID: 31690835).

Single allele

Gene: ATRX (ATRX chromatin remodeler; minus strand). Cytogenetic location: Xq21.1.
Variant type: Deletion.
Identifiers: ClinVar variation 4070910 (VCV004070910.1).